The following is an entry in ClinVar:

ClinVar aggregate classification (germline): Uncertain significance (1 of 4 stars; one submission).

Conditions:
Temtamy syndrome (TEMTYS). Also called: MENTAL RETARDATION WITH OR WITHOUT CRANIOFACIAL DYSMORPHISM, OCULAR COLOBOMA, OR ABNORMAL CORPUS CALLOSUM. Identifiers: Orphanet 1777, MedGen C1857512, MONDO:0009033, OMIM 218340.

Allele frequency attached by ClinVar (database versions not stated): TOPMed below 0.00001; gnomAD 0.00001.
gnomAD v4.1: 1 of 1,613,402 alleles (0.000062%); highest among the groups gnomAD compares: Admixed American, 0.0017%; no homozygotes.

Submission:

Labcorp Genetics (formerly Invitae), Labcorp
Classification: Uncertain significance for Temtamy syndrome. Last evaluated: 2018-05-01. Review status: criteria provided, single submitter. Criteria: Invitae Variant Classification Sherloc (09022015). Collection method: clinical testing. Allele origin: germline.
Comment: In summary, the available evidence is currently insufficient to determine the role of this variant in disease. Therefore, it has been classified as a Variant of Uncertain Significance. Algorithms developed to predict the effect of missense changes on protein structure and function do not agree on the potential impact of this missense change (SIFT: "Deleterious"; PolyPhen-2: "Benign"; Align-GVGD: "Class C25"). This variant has not been reported in the literature in individuals with C12orf57-related disease. This variant is not present in population databases (ExAC no frequency). This sequence change replaces proline with alanine at codon 30 of the C12orf57 protein (p.Pro30Ala). The proline residue is highly conserved and there is a small physicochemical difference between proline and alanine.

NM_138425.4(C12orf57):c.88C>G (p.Pro30Ala)

Gene: C12orf57 (chromosome 12 open reading frame 57; plus strand). Cytogenetic location: 12p13.31.
Variant type: single nucleotide variant.
Coding change: c.88C>G on transcript NM_138425.4 (MANE Select); coding-DNA position 88, C replaced by G.
Protein change: p.Pro30Ala; replaces proline 30 with alanine.
Molecular consequence: missense variant. On other transcripts: 5 prime UTR variant (1), non-coding transcript variant (1).
Genome position (GRCh38, 1-based): chr12:6,944,511, C>G. VCF-style: chr12-6944511-C-G. GRCh37 (hg19) VCF-style: chr12-7053674-C-G.
Other names: c.88C>G, p.Pro30Ala (NM_001301834.1, NM_001301837.2); c.49C>G, p.Pro17Ala (NM_001301836.2); c.-18C>G (NM_001301838.2); short protein forms P30A, P17A.
Identifiers: ClinVar variation 579291 (VCV000579291.7), dbSNP rs1349419442, ClinGen allele CA383744364.
Genomic context (GRCh38, chr12:6,944,511, plus strand): 5'-TCCCTGGGATGCTTCTGGCGCGCAGTGGTCCTCGCGGAGGTGATCCAGGCGTTCTCCGCC[C>G]CGGAGAATGCAGTGCGCATGGACGAGGCTCGGGATAACGCCTGCAACGACATGGGTAAGA-3'
Protein context (NP_612434.1, residues 20-40): LAEVIQAFSA[Pro30Ala]ENAVRMDEAR